The following is an entry in ClinVar:

ClinVar aggregate classification (germline): Uncertain significance (1 of 4 stars; one submission).

Conditions:
DPAGT1-congenital disorder of glycosylation. Also called: CONGENITAL DISORDER OF GLYCOSYLATION, TYPE Ij; DPAGT1-CDG; CDG Ij. Identifiers: Orphanet 86309, MedGen C2931004, MONDO:0011964, OMIM 608093.
Congenital myasthenic syndrome 13 (CMS13). Also called: Myasthenic syndrome, congenital, 13, with tubular aggregates; Myasthenic syndrome, congenital, with tubular aggregates 2. Identifiers: Orphanet 353327, Orphanet 590, MedGen C3553645, MONDO:0013883, OMIM 614750.

gnomAD v4.1: 1 of 1,614,196 alleles (0.000062%); highest among the groups gnomAD compares: Non-Finnish European, 0.000085%; no homozygotes.

Submission:

Labcorp Genetics (formerly Invitae), Labcorp
Classification: Uncertain significance for Congenital myasthenic syndrome 13; DPAGT1-congenital disorder of glycosylation. Last evaluated: 2022-02-06. Review status: criteria provided, single submitter. Criteria: Invitae Variant Classification Sherloc (09022015). Collection method: clinical testing. Allele origin: germline.
Comment: This sequence change replaces valine, which is neutral and non-polar, with leucine, which is neutral and non-polar, at codon 96 of the DPAGT1 protein (p.Val96Leu). This variant is present in population databases (no rsID available, gnomAD 0.0009%). This variant has not been reported in the literature in individuals affected with DPAGT1-related conditions. Algorithms developed to predict the effect of missense changes on protein structure and function (SIFT, PolyPhen-2, Align-GVGD) all suggest that this variant is likely to be tolerated. In summary, the available evidence is currently insufficient to determine the role of this variant in disease. Therefore, it has been classified as a Variant of Uncertain Significance.

NM_001382.4(DPAGT1):c.286G>T (p.Val96Leu)

Gene: DPAGT1 (dolichyl-phosphate N-acetylglucosaminephosphotransferase 1; minus strand). Cytogenetic location: 11q23.3.
Variant type: single nucleotide variant.
Coding change: c.286G>T on transcript NM_001382.4 (MANE Select); coding-DNA position 286, G replaced by T.
Protein change: p.Val96Leu; replaces valine 96 with leucine.
Molecular consequence: missense variant.
Genome position (GRCh38, 1-based): chr11:119,100,840, C>A on the plus strand (G>T on the coding strand, the complement: DPAGT1 is on the minus strand). VCF-style: chr11-119100840-C-A. GRCh37 (hg19) VCF-style: chr11-118971550-C-A.
Other names: short protein forms V96L.
Identifiers: ClinVar variation 2094075 (VCV002094075.4), dbSNP rs1414865561, ClinGen allele CA382915496.